The following is an entry in ClinVar:

ClinVar aggregate classification (germline): Uncertain significance (0 of 4 stars; one submission).

Conditions:
SH2B1-related disorder. Also called: SH2B1-related condition.

gnomAD v4.1: 4 of 1,614,020 alleles (0.00025%); highest among the groups gnomAD compares: Non-Finnish European, 0.00034%; no homozygotes.

Submission:

PreventionGenetics, part of Exact Sciences
Classification: Uncertain significance for SH2B1-related condition. Last evaluated: 2024-07-29. Review status: no assertion criteria provided. Collection method: clinical testing. Allele origin: germline.
Comment: The SH2B1 c.1346C>T variant is predicted to result in the amino acid substitution p.Ser449Phe. To our knowledge, this variant has not been reported in the literature. This variant is reported in 0.0018% of alleles in individuals of European (Non-Finnish) descent in gnomAD. At this time, the clinical significance of this variant is uncertain due to the absence of conclusive functional and genetic evidence.

NM_001387430.1(SH2B1):c.1346C>T (p.Ser449Phe)

Gene: SH2B1 (SH2B adaptor protein 1; plus strand). Cytogenetic location: 16p11.2.
Variant type: single nucleotide variant.
Coding change: c.1346C>T on transcript NM_001387430.1 (MANE Select); coding-DNA position 1346, C replaced by T.
Protein change: p.Ser449Phe; replaces serine 449 with phenylalanine.
Molecular consequence: missense variant.
Genome position (GRCh38, 1-based): chr16:28,871,816, C>T. VCF-style: chr16-28871816-C-T. GRCh37 (hg19) VCF-style: chr16-28883137-C-T.
Other names: c.1346C>T, p.Ser449Phe (NM_001145795.2, NM_001145796.2, NM_001145797.2 and 4 more transcripts); c.338C>T, p.Ser113Phe (NM_001308294.2); short protein forms S113F, S449F.
Identifiers: ClinVar variation 3354178 (VCV003354178.1).